The following is an entry in ClinVar:

NM_017514.5(PLXNA3):c.2896G>A (p.Val966Ile)

Gene: PLXNA3 (plexin A3; plus strand). Cytogenetic location: Xq28.
Variant type: single nucleotide variant.
Coding change: c.2896G>A on transcript NM_017514.5 (MANE Select); coding-DNA position 2896, G replaced by A.
Protein change: p.Val966Ile; replaces valine 966 with isoleucine.
Molecular consequence: missense variant.
Genome position (GRCh38, 1-based): chrX:154,466,472, G>A. VCF-style: chrX-154466472-G-A. GRCh37 (hg19) VCF-style: chrX-153694815-G-A.
Other names: short protein forms V966I.
Identifiers: ClinVar variation 4979049 (VCV004979049.1).
Genomic context (GRCh38, chrX:154,466,472, plus strand): 5'-CCGGCGTCCGGGGGCACACGGCTTACCATCTCAGGCAGCTCTCTGGATGCTGGCAGCAGG[G>A]TCACAGTGACTGTGAGGGACAGCGAGTGCCAGTTTGTAAGGTGGGCCGGGGCCCTGCCAG-3'
Protein context (NP_059984.3, residues 956-976): SGSSLDAGSR[Val966Ile]TVTVRDSECQ

ClinVar aggregate classification (germline): Uncertain significance (1 of 4 stars; one submission).

Conditions:
PLXNA3-related disorder. Also called: PLXNA3-related condition.

gnomAD v4.1: 5 of 1,209,172 alleles (0.00041%); highest among the groups gnomAD compares: African/African-American, 0.0052%; no homozygotes.

Submission:

PreventionGenetics, part of Exact Sciences
Classification: Uncertain significance for PLXNA3-related condition. Last evaluated: 2025-12-29. Review status: criteria provided, single submitter. Criteria: ACMG Guidelines, 2015. Collection method: clinical testing. Allele origin: germline.
Comment: The PLXNA3 c.2896G>A variant is predicted to result in the amino acid substitution p.Val966Ile. To our knowledge, this variant has not been reported in the literature or in a large population database (gnomAD), indicating this variant is rare. At this time, the clinical significance of this variant is uncertain due to the absence of conclusive functional and genetic evidence.